The following is an entry in ClinVar:

ClinVar aggregate classification (germline): Uncertain significance (1 of 4 stars; one submission).

Conditions:
Developmental and epileptic encephalopathy, 12 (DEE12). Identifiers: MedGen C3150988, MONDO:0013389, OMIM 613722.

Submission:

Labcorp Genetics (formerly Invitae), Labcorp
Classification: Uncertain significance for Developmental and epileptic encephalopathy, 12. Last evaluated: 2023-07-06. Review status: criteria provided, single submitter. Criteria: Invitae Variant Classification Sherloc (09022015). Collection method: clinical testing. Allele origin: germline.
Comment: This sequence change replaces asparagine, which is neutral and polar, with serine, which is neutral and polar, at codon 332 of the PLCB1 protein (p.Asn332Ser). This variant is not present in population databases (gnomAD no frequency). This variant has not been reported in the literature in individuals affected with PLCB1-related conditions. ClinVar contains an entry for this variant (Variation ID: 2112578). Advanced modeling of protein sequence and biophysical properties (such as structural, functional, and spatial information, amino acid conservation, physicochemical variation, residue mobility, and thermodynamic stability) performed at Invitae indicates that this missense variant is expected to disrupt PLCB1 protein function. In summary, the available evidence is currently insufficient to determine the role of this variant in disease. Therefore, it has been classified as a Variant of Uncertain Significance.

NM_015192.4(PLCB1):c.995A>G (p.Asn332Ser)

Gene: PLCB1 (phospholipase C beta 1; plus strand). Cytogenetic location: 20p12.3.
Variant type: single nucleotide variant.
Coding change: c.995A>G on transcript NM_015192.4 (MANE Select); coding-DNA position 995, A replaced by G.
Protein change: p.Asn332Ser; replaces asparagine 332 with serine.
Molecular consequence: missense variant.
Genome position (GRCh38, 1-based): chr20:8,685,064, A>G. VCF-style: chr20-8685064-A-G. GRCh37 (hg19) VCF-style: chr20-8665711-A-G.
Other names: c.995A>G, p.Asn332Ser (NM_182734.3); short protein forms N332S.
Identifiers: ClinVar variation 2112578 (VCV002112578.4), dbSNP rs2515229784, ClinGen allele CA408194642.